The following is an entry in ClinVar:

NM_001830.4(CLCN4):c.1390-4C>T

Gene: CLCN4 (Cl-/H+ antiporter 4; plus strand). Cytogenetic location: Xp22.2.
Variant type: single nucleotide variant.
Coding change: c.1390-4C>T on transcript NM_001830.4 (MANE Select); 4 bases into the intron before coding-DNA position 1390, C replaced by T.
Molecular consequence: intron variant.
Genome position (GRCh38, 1-based): chrX:10,212,463, C>T. VCF-style: chrX-10212463-C-T. GRCh37 (hg19) VCF-style: chrX-10180503-C-T.
Other names: c.1108-4C>T (NM_001256944.2).
Identifiers: ClinVar variation 415738 (VCV000415738.17), dbSNP rs141271427, ClinGen allele CA10347227.

ClinVar aggregate classification (germline): Benign. Review status: criteria provided, multiple submitters, no conflicts (2 of 4 stars). 5 submissions from 5 submitters: Benign (4). 1 of the submissions does not count toward it. Last evaluated 2026-01-28.

Conditions:
CLCN4-related disorder. Identifiers: MedGen CN232948.
Intellectual disability, X-linked 49 (MRXSRC). Also called: CLCN4-Related Neurodevelopmental Disorder; CLCN4-related X-linked intellectual disability syndrome; RAYNAUD-CLAES SYNDROME; MENTAL RETARDATION, X-LINKED 15; MRX49. Identifiers: Orphanet 485350, Orphanet 777, MedGen C0796221, MONDO:0010250, OMIM 300114.

Allele frequency attached by ClinVar (database versions not stated): gnomAD exomes 0.00089 and 0.00247; ExAC 0.00279; gnomAD 0.00836 and 0.00900; 1000 Genomes Project 30x 0.00874; 1000 Genomes Project 0.00901; TOPMed 0.01021; ESP Exome Variant Server 0.01250.
gnomAD v4.1: 1,968 of 1,207,928 alleles (0.16%); highest among the groups gnomAD compares: African/African-American, 3%; 21 homozygotes.

Submissions (5):

Labcorp Genetics (formerly Invitae), Labcorp
Classification: Benign. Last evaluated: 2026-01-28. Review status: criteria provided, single submitter. Criteria: Invitae Variant Classification Sherloc (09022015). Collection method: clinical testing. Allele origin: germline.

ARUP Laboratories, Molecular Genetics and Genomics, ARUP Laboratories
Classification: Benign for Intellectual disability, X-linked 49. Last evaluated: 2024-09-17. Review status: criteria provided, single submitter. Criteria: ARUP Molecular Germline Variant Investigation Process 2024. Collection method: clinical testing. Allele origin: germline.

GeneDx
Classification: Benign. Last evaluated: 2019-08-23. Review status: criteria provided, single submitter. Criteria: GeneDx Variant Classification Process June 2021. Collection method: clinical testing. Allele origin: germline. Affected: yes.

Breakthrough Genomics
Classification: Benign. Review status: criteria provided, single submitter. Criteria: ACMG Guidelines, 2015. Collection method: not provided. Allele origin: germline. Inheritance: X-linked inheritance. Affected: yes.

PreventionGenetics, part of Exact Sciences
Classification: Benign for CLCN4-related condition. Last evaluated: 2019-08-07. Review status: no assertion criteria provided. Collection method: clinical testing. Allele origin: germline. Not counted in ClinVar's aggregate classification.
Comment: This variant is classified as benign based on ACMG/AMP sequence variant interpretation guidelines (Richards et al. 2015 PMID: 25741868, with internal and published modifications).